The following is an entry in ClinVar:

NM_000064.4(C3):c.3341C>T (p.Pro1114Leu)

Gene: C3 (complement C3; minus strand). Cytogenetic location: 19p13.3.
Variant type: single nucleotide variant.
Coding change: c.3341C>T on transcript NM_000064.4 (MANE Select); coding-DNA position 3341, C replaced by T.
Protein change: p.Pro1114Leu; replaces proline 1114 with leucine.
Molecular consequence: missense variant.
Genome position (GRCh38, 1-based): chr19:6,692,973, G>A on the plus strand (C>T on the coding strand, the complement: C3 is on the minus strand). VCF-style: chr19-6692973-G-A. GRCh37 (hg19) VCF-style: chr19-6692984-G-A.
Other names: short protein forms P1114L.
Identifiers: ClinVar variation 3376823 (VCV003376823.2).
Genomic context (GRCh38, chr19:6,692,973, plus strand): 5'-CAGCCTCTTACAATCATTTCTTGGTGTATCACGGGCGCATCCTCCTGGAAGACCCCGTCG[G>A]GCTTCTGCTTCTCCAGGATCAGCCATTTAACAGCCCCGCAGAGGACTTGGGAGTCGATGG-3'
Protein context (NP_000055.2, residues 1104-1124): VKWLILEKQK[Pro1114Leu]DGVFQEDAPV

ClinVar aggregate classification (germline): Uncertain significance. Review status: criteria provided, multiple submitters, no conflicts (2 of 4 stars). 2 submissions from 2 submitters: Uncertain significance (2). Last evaluated 2025-09-30.

Conditions:
Atypical hemolytic-uremic syndrome. Identifiers: Orphanet 2134, MedGen C2931788, MONDO:0016244.
Atypical hemolytic-uremic syndrome with C3 anomaly. Also called: AHUS, SUSCEPTIBILITY TO, 5. Identifiers: Orphanet 2134, MedGen C2752037, MONDO:0013043, OMIM 612925.

Submissions (2):

Genomenon, Inc
Classification: Uncertain significance for Atypical hemolytic-uremic syndrome. Last evaluated: 2025-09-30. Review status: criteria provided, single submitter. Criteria: Genomenon Sequence Variant Interpretation Standards. Collection method: curation. Allele origin: germline. Affected: yes.
Comment: C3 p.Pro1114Leu (c.3341C>T) is a missense variant that changes the amino acid at residue 1114 from Proline to Leucine. This variant has been observed in at least one proband affected with atypical hemolytic-uremic syndrome (PMID:20016463). Functional studies have been reported; however, the significance of the findings remain unclear (PMID:25608561;27814381). It is absent or not present at a significant frequency in gnomAD. In conclusion, we classify C3 p.Pro1114Leu (c.3341C>T) as a variant of unknown significance.

Victorian Clinical Genetics Services, Murdoch Childrens Research Institute
Classification: Uncertain significance for Atypical hemolytic-uremic syndrome with C3 anomaly. Last evaluated: 2024-09-23. Review status: criteria provided, single submitter. Criteria: ACMG Guidelines, 2015. Collection method: clinical testing. Allele origin: germline. Inheritance: Autosomal dominant inheritance. Affected: yes.
Comment: Based on the classification scheme VCGS_Germline_v1.3.4, this variant is classified as VUS-3A. Following criteria are met: 0103 - Loss of function and gain of function are known mechanisms of disease in this gene and are associated with C3 deficiency, (MIM#613779), hemolytic uraemic syndrome, atypical, susceptibility to, 5, (aHUS; MIM#612925), and macular degeneration, age-related, 9 (AMD; MIM#611378). Missense variants have demonstrated a gain of function mechanism, with loss of function also possible (PMID: 27814381, PMID: 18796626). (I) 0108 - This gene is associated with both recessive and dominant disease. Missense variants with a gain of function mechanism and possible loss of function have been reported in heterozygous individuals with aHUS and/or AMD, whereas heterozygous null variants have been rarely reported in individuals with aHUS (PMID: 18796626; PMID: 29888403). Individuals with biallelic null variants have C3 deficency (PMID: 21501302). (I) 0112 - The condition associated with this gene has incomplete penetrance. Heterozygous individuals with aHUS inherited variants from healthy parents (PMID: 18796626). (I) 0200 - Variant is predicted to result in a missense amino acid change from proline to leucine. (I) 0251 - This variant is heterozygous. (I) 0301 - Variant is absent from gnomAD (both v2 and v3). (SP) 0502 - Missense variant with conflicting in silico predictions and uninformative conservation. (I) 0600 - Variant is located in the annotated A-macroglobulin TED domain (DECIPHER). (I) 0705 - No comparable missense variants have previous evidence for pathogenicity. (I) 0803 - This variant has limited previous evidence of pathogenicity in an unrelated individual. This variant has been reported in a single heterozygous individual atypical haemolytic uremic syndrome, who had reduced C3 levels and an additional variant in the CFI gene (PMID: 23307876, PMID: 20016463). (SP) 0905 - No published segregation evidence has been identified for this variant. (I) 1002 - This variant has moderate functional evidence supporting abnormal protein function. This variant resulted in significantly reduced CFHR1 binding (PMID: 27814381). (SP) 1208 - Inheritance information for this variant is not currently available in this individual. (I) Legend: (SP) - Supporting pathogenic, (I) - Information, (SB) - Supporting benign

Literature cited by the submitters: PubMed 20016463 (cited by Genomenon, Inc and Victorian Clinical Genetics Services, Murdoch Childrens Research Institute); PubMed 25608561 (cited by Genomenon, Inc); PubMed 27814381 (cited by Genomenon, Inc and Victorian Clinical Genetics Services, Murdoch Childrens Research Institute); PubMed 1879662 (cited by Victorian Clinical Genetics Services, Murdoch Childrens Research Institute); PubMed 21501302 (cited by Victorian Clinical Genetics Services, Murdoch Childrens Research Institute); PubMed 23307876 (cited by Victorian Clinical Genetics Services, Murdoch Childrens Research Institute); PubMed 29888403 (cited by Victorian Clinical Genetics Services, Murdoch Childrens Research Institute); PubMed 18796626 (cited by Victorian Clinical Genetics Services, Murdoch Childrens Research Institute).